The following is an entry in ClinVar:

NM_001458.5(FLNC):c.4418G>A (p.Gly1473Asp)

Gene: FLNC (filamin C; plus strand). Cytogenetic location: 7q32.1.
Variant type: single nucleotide variant.
Coding change: c.4418G>A on transcript NM_001458.5 (MANE Select); coding-DNA position 4418, G replaced by A.
Protein change: p.Gly1473Asp; replaces glycine 1473 with aspartic acid.
Molecular consequence: missense variant.
Genome position (GRCh38, 1-based): chr7:128,847,826, G>A. VCF-style: chr7-128847826-G-A. GRCh37 (hg19) VCF-style: chr7-128487880-G-A.
Other names: c.4418G>A, p.Gly1473Asp (NM_001127487.2); short protein forms G1473D.
Identifiers: ClinVar variation 1284429 (VCV001284429.4), dbSNP rs1174959724, ClinGen allele CA369201573.

ClinVar aggregate classification (germline): Uncertain significance. Review status: criteria provided, single submitter (1 of 4 stars). 3 submissions from 3 submitters: Uncertain significance (1). 2 of the submissions do not count toward it. Last evaluated 2023-06-21.

Conditions:
Myofibrillar myopathy 5. Also called: Filaminopathy (type); FILAMINOPATHY, AUTOSOMAL DOMINANT. Identifiers: Orphanet 171445, MedGen C1836050, MONDO:0012289, OMIM 609524.
Distal myopathy with posterior leg and anterior hand involvement. Also called: WILLIAMS DISTAL MYOPATHY. Identifiers: Orphanet 63273, MedGen C3279722, MONDO:0013550, OMIM 614065.
Hypertrophic cardiomyopathy 26. Also called: Cardiomyopathy, familial hypertrophic, 26. Identifiers: Orphanet 75249, MedGen C4310749, MONDO:0014883, OMIM 617047.
Dilated Cardiomyopathy, Dominant.

Allele frequency attached by ClinVar (database versions not stated): gnomAD exomes 0.00001.
gnomAD v4.1: 4 of 1,613,630 alleles (0.00025%); highest among the groups gnomAD compares: Non-Finnish European, 0.00034%; no homozygotes.

Submissions (3):

Labcorp Genetics (formerly Invitae), Labcorp
Classification: Uncertain significance for Distal myopathy with posterior leg and anterior hand involvement; Myofibrillar myopathy 5; Hypertrophic cardiomyopathy 26. Last evaluated: 2023-06-21. Review status: criteria provided, single submitter. Criteria: Invitae Variant Classification Sherloc (09022015). Collection method: clinical testing. Allele origin: germline.
Comment: This variant is not present in population databases (gnomAD no frequency). This sequence change replaces glycine, which is neutral and non-polar, with aspartic acid, which is acidic and polar, at codon 1473 of the FLNC protein (p.Gly1473Asp). This variant has not been reported in the literature in individuals affected with FLNC-related conditions. ClinVar contains an entry for this variant (Variation ID: 1284429). Advanced modeling of protein sequence and biophysical properties (such as structural, functional, and spatial information, amino acid conservation, physicochemical variation, residue mobility, and thermodynamic stability) has been performed at Invitae for this missense variant, however the output from this modeling did not meet the statistical confidence thresholds required to predict the impact of this variant on FLNC protein function. In summary, the available evidence is currently insufficient to determine the role of this variant in disease. Therefore, it has been classified as a Variant of Uncertain Significance.

Clinical Genetics, Academic Medical Center
Classification: Uncertain significance. Review status: no assertion criteria provided. Collection method: clinical testing. Allele origin: germline. Affected: yes. Study: VKGL Data-share Consensus. Not counted in ClinVar's aggregate classification.

Genome Diagnostics Laboratory, University Medical Center Utrecht
Classification: Uncertain significance. Review status: no assertion criteria provided. Collection method: clinical testing. Allele origin: germline. Affected: yes. Study: VKGL Data-share Consensus. Not counted in ClinVar's aggregate classification.